The following is an entry in ClinVar:

NM_015990.5(KLHL5):c.1689-5T>C

Gene: KLHL5 (kelch like family member 5; plus strand). Cytogenetic location: 4p14.
Variant type: single nucleotide variant.
Coding change: c.1689-5T>C on transcript NM_015990.5 (MANE Select); 5 bases into the intron before coding-DNA position 1689, T replaced by C.
Molecular consequence: intron variant.
Genome position (GRCh38, 1-based): chr4:39,113,015, T>C. VCF-style: chr4-39113015-T-C. GRCh37 (hg19) VCF-style: chr4-39114635-T-C.
Other names: c.1689-5T>C (NM_001007075.2); c.1266-5T>C (NM_001171654.1); c.1506-5T>C (NM_199039.4).
Identifiers: ClinVar variation 2654727 (VCV002654727.24), dbSNP rs192936481, ClinGen allele CA2891365.

ClinVar aggregate classification (germline): Likely benign (1 of 4 stars; one submission).

Allele frequency attached by ClinVar (database versions not stated): 1000 Genomes Project 30x 0.00203; 1000 Genomes Project 0.00240; TOPMed 0.00457; gnomAD 0.00516; ESP Exome Variant Server 0.00531; ExAC 0.00691; gnomAD exomes 0.00763.
gnomAD v4.1: 11,813 of 1,611,144 alleles (0.73%); highest among the groups gnomAD compares: Non-Finnish European, 0.88%; 76 homozygotes.

Submission:

CeGaT Center for Human Genetics Tuebingen
Classification: Likely benign. Last evaluated: 2022-07-01. Review status: criteria provided, single submitter. Criteria: CeGaT Center For Human Genetics Tuebingen Variant Classification Criteria Version 2. Collection method: clinical testing. Allele origin: germline. Affected: yes. Observed: 1 variant allele.
Comment: KLHL5: BP4, BS2